The following is an entry in ClinVar:

ClinVar aggregate classification (germline): Likely benign (1 of 4 stars; one submission).

Conditions:
Charcot-Marie-Tooth disease type 4H (CMT4H). Also called: CHARCOT-MARIE-TOOTH DISEASE, AUTOSOMAL RECESSIVE, TYPE 4H; CHARCOT-MARIE-TOOTH DISEASE, DEMYELINATING, AUTOSOMAL RECESSIVE, TYPE 4H; CHARCOT-MARIE-TOOTH NEUROPATHY, TYPE 4H; CHARCOT-MARIE-TOOTH DISEASE, DEMYELINATING, TYPE 4H. Identifiers: Orphanet 99954, MedGen C1836336, MONDO:0012250, OMIM 609311.

Allele frequency attached by ClinVar (database versions not stated): gnomAD 0.00167 and 0.00175; TOPMed 0.00187; 1000 Genomes Project 0.00220; 1000 Genomes Project 30x 0.00250.

Submission:

Illumina Laboratory Services, Illumina
Classification: Likely benign for Charcot-Marie-Tooth disease type 4H. Last evaluated: 2018-01-13. Review status: criteria provided, single submitter. Criteria: ICSL Variant Classification Criteria 13 December 2019. Collection method: clinical testing. Allele origin: germline.
Comment: This variant was observed in the ICSL laboratory as part of a predisposition screen in an ostensibly healthy population. It had not been previously curated by ICSL or reported in the Human Gene Mutation Database (HGMD: prior to June 1st, 2018), and was therefore a candidate for classification through an automated scoring system. Utilizing variant allele frequency, disease prevalence and penetrance estimates, and inheritance mode, an automated score was calculated to assess if this variant is too frequent to cause the disease. Based on the score and internal cut-off values, a variant classified as likely benign is not then subjected to further curation. The score for this variant resulted in a classification of likely benign for this disease.

NM_001370298.3(FGD4):c.*4028A>G

Gene: FGD4 (FYVE, RhoGEF and PH domain containing 4; plus strand). Cytogenetic location: 12p11.21.
Variant type: single nucleotide variant.
Coding change: c.*4028A>G on transcript NM_001370298.3 (MANE Select); 4028 bases downstream of the stop codon, A replaced by G.
Molecular consequence: 3 prime UTR variant. On other transcripts: intron variant (3).
Genome position (GRCh38, 1-based): chr12:32,644,561, A>G. VCF-style: chr12-32644561-A-G. GRCh37 (hg19) VCF-style: chr12-32797495-A-G.
Other names: c.*4028A>G (NM_001304481.2, NM_001304484.2, NM_001330373.2 and 5 more transcripts); c.2633-33A>G (NM_001384126.1); c.2222-33A>G (NM_001384127.1, NM_001384128.1).
Identifiers: ClinVar variation 881969 (VCV000881969.4), dbSNP rs75608969, ClinGen allele CA235251158.